The following is an entry in ClinVar:

NM_002637.4(PHKA1):c.3647C>T (p.Pro1216Leu)

Gene: PHKA1 (phosphorylase kinase regulatory subunit alpha 1; minus strand). Cytogenetic location: Xq13.1.
Variant type: single nucleotide variant.
Coding change: c.3647C>T on transcript NM_002637.4 (MANE Select); coding-DNA position 3647, C replaced by T.
Protein change: p.Pro1216Leu; replaces proline 1216 with leucine.
Molecular consequence: missense variant.
Genome position (GRCh38, 1-based): chrX:72,581,027, G>A on the plus strand (C>T on the coding strand, the complement: PHKA1 is on the minus strand). VCF-style: chrX-72581027-G-A. GRCh37 (hg19) VCF-style: chrX-71800877-G-A.
Other names: c.3608C>T, p.Pro1203Leu (NM_001122670.2, NM_001440787.1); c.3431C>T, p.Pro1144Leu (NM_001172436.2, NM_001440788.1); c.3698C>T, p.Pro1233Leu (NM_001431068.1); short protein forms P1144L, P1233L, P1203L, P1216L.
Identifiers: ClinVar variation 4779470 (VCV004779470.1).
Genomic context (GRCh38, chrX:72,581,027, plus strand): 5'-GTCAAAAGGCTCCCAGAAGCCAGGAACCAAAGCCCTCATTGCATGGCACAGATGCTGTGG[G>A]GCAGGAACTCCTGCACGTAGGTGGCGGCTGCCTTGGAGAGGTAGGTCATGGTGCCAAACC-3'
Protein context (NP_002628.2, residues 1206-1223): AAATYVQEFL[Pro1216Leu]HSICAMQ

ClinVar aggregate classification (germline): Uncertain significance (1 of 4 stars; one submission).

Conditions:
Glycogen storage disease IXd (GSD9D). Also called: Muscle Phosphorylase Kinase Deficiency; GSD IXd. Identifiers: Orphanet 715, MedGen C1845151, MONDO:0010362, OMIM 300559.

gnomAD v4.1: 5 of 1,211,038 alleles (0.00041%); highest among the groups gnomAD compares: South Asian, 0.007%; no homozygotes.

Submission:

Labcorp Genetics (formerly Invitae), Labcorp
Classification: Uncertain significance for Glycogen storage disease IXd. Last evaluated: 2025-10-01. Review status: criteria provided, single submitter. Criteria: Invitae Variant Classification Sherloc (09022015). Collection method: clinical testing. Allele origin: germline.
Comment: This sequence change replaces proline, which is neutral and non-polar, with leucine, which is neutral and non-polar, at codon 1216 of the PHKA1 protein (p.Pro1216Leu). This variant is present in population databases (rs782768324, gnomAD 0.02%). This variant has not been reported in the literature in individuals affected with PHKA1-related conditions. An algorithm developed to predict the effect of missense changes on protein structure and function (PolyPhen-2) suggests that this variant is likely to be disruptive. In summary, the available evidence is currently insufficient to determine the role of this variant in disease. Therefore, it has been classified as a Variant of Uncertain Significance.